The following is an entry in ClinVar:

ClinVar aggregate classification (germline): Pathogenic (1 of 4 stars; one submission).

Conditions:
Ehlers-Danlos syndrome, dermatosparaxis type. Also called: EDS VIIC; Dermatosparaxis; Ehlers-Danlos syndrome, type VII, autosomal recessive. Identifiers: Orphanet 1901, MedGen C2700425, MONDO:0009161, OMIM 225410.

Submission:

Myriad Genetics, Inc.
Classification: Pathogenic for Ehlers-Danlos syndrome, dermatosparaxis type. Last evaluated: 2025-04-01. Review status: criteria provided, single submitter. Criteria: Myriad Autosomal Dominant, Autosomal Recessive and X-Linked Classification Criteria (2023). Collection method: clinical testing. Allele origin: unknown.
Comment: NM_014244.4(ADAMTS2):c.1889G>A(W630*) is expected to be pathogenic in the context of Ehlers-Danlos syndrome, ADAMTS2-related. This variant is predicted to lead to an abnormal or absent protein product due to the creation of a premature termination codon in ADAMTS2, a gene where loss-of-function variants are known to be pathogenic. Please note: this variant was assessed in the context of healthy population screening.

NM_014244.5(ADAMTS2):c.1889G>A (p.Trp630Ter)

Gene: ADAMTS2 (ADAM metallopeptidase with thrombospondin type 1 motif 2; minus strand). Cytogenetic location: 5q35.3.
Variant type: single nucleotide variant.
Coding change: c.1889G>A on transcript NM_014244.5 (MANE Select); coding-DNA position 1889, G replaced by A.
Protein change: p.Trp630Ter; replaces tryptophan 630 with a stop codon.
Molecular consequence: nonsense.
Genome position (GRCh38, 1-based): chr5:179,137,831, C>T on the plus strand (G>A on the coding strand, the complement: ADAMTS2 is on the minus strand). VCF-style: chr5-179137831-C-T. GRCh37 (hg19) VCF-style: chr5-178564832-C-T.
Other names: short protein forms W630*.
Identifiers: ClinVar variation 5014285 (VCV005014285.1).